The following is an entry in ClinVar:

ClinVar aggregate classification (germline): Uncertain significance (1 of 4 stars; one submission).

Conditions:
Intellectual developmental disorder, autosomal dominant 51. Also called: MENTAL RETARDATION, AUTOSOMAL DOMINANT 51; Intellectual disability, autosomal dominant 51. Identifiers: Orphanet 684226, MedGen C4540474, MONDO:0030917, OMIM 617788.

Submission:

Dasa
Classification: Uncertain significance for Intellectual developmental disorder, autosomal dominant 51. Last evaluated: 2026-04-05. Review status: criteria provided, single submitter. Criteria: DASA Assertion Criteria. Collection method: clinical testing. Allele origin: germline.
Comment: NM_017635.5(KMT5B):c.390_391insTTT (p.Ile130_Lys131insPhe) is an in-frame insertion/deletion-insertion predicted to alter the protein sequence without shifting the reading frame. This variant is rare in population databases. The currently available literature and clinical evidence are not sufficient to establish a definitive association between this variant and the reported condition. Therefore, this variant is classified as a variant of uncertain significance.

NM_017635.5(KMT5B):c.390_391insTTT (p.Ile130_Lys131insPhe)

Gene: KMT5B (lysine methyltransferase 5B; minus strand). Cytogenetic location: 11q13.2.
Variant type: Insertion.
Coding change: c.390_391insTTT on transcript NM_017635.5 (MANE Select); coding-DNA positions 390 to 391, TTT inserted.
Protein change: p.Ile130_Lys131insPhe.
Molecular consequence: inframe insertion. On other transcripts: 5 prime UTR variant (9), non-coding transcript variant (3).
Genome position: GRCh38 VCF-style: chr11-68175170-T-TAAA. GRCh37 (hg19) VCF-style: chr11-67942637-T-TAAA.
Other names: c.-127_-126insTTT (NM_001300907.1, NM_001369424.1, NM_001369428.1 and 5 more transcripts); c.-278_-277insTTT (NM_001300908.2); c.321_322insTTT, p.Ile107_Lys108insPhe (NM_001300909.2); c.390_391insTTT, p.Ile130_Lys131insPhe (NM_001363566.2, NM_001369426.1, NM_001369427.1 and 1 more transcripts); c.177_178insTTT, p.Ile59_Lys60insPhe (NM_001369425.1).
Identifiers: ClinVar variation 4884036 (VCV004884036.2).